The following is an entry in ClinVar:

NM_015425.6(POLR1A):c.473G>A (p.Arg158Gln)

Gene: POLR1A (RNA polymerase I subunit A; minus strand). Cytogenetic location: 2p11.2.
Variant type: single nucleotide variant.
Coding change: c.473G>A on transcript NM_015425.6 (MANE Select); coding-DNA position 473, G replaced by A.
Protein change: p.Arg158Gln; replaces arginine 158 with glutamine.
Molecular consequence: missense variant.
Genome position (GRCh38, 1-based): chr2:86,089,889, C>T on the plus strand (G>A on the coding strand, the complement: POLR1A is on the minus strand). VCF-style: chr2-86089889-C-T. GRCh37 (hg19) VCF-style: chr2-86317012-C-T.
Other names: short protein forms R158Q.
Identifiers: ClinVar variation 2900995 (VCV002900995.3), dbSNP rs146078741, ClinGen allele CA1746653.

ClinVar aggregate classification (germline): Uncertain significance (1 of 4 stars; one submission).

gnomAD v4.1: 45 of 1,612,132 alleles (0.0028%); highest among the groups gnomAD compares: African/African-American, 0.012%; no homozygotes.

Submission:

Labcorp Genetics (formerly Invitae), Labcorp
Classification: Uncertain significance. Last evaluated: 2024-09-27. Review status: criteria provided, single submitter. Criteria: Invitae Variant Classification Sherloc (09022015). Collection method: clinical testing. Allele origin: germline.
Comment: This sequence change replaces arginine, which is basic and polar, with glutamine, which is neutral and polar, at codon 158 of the POLR1A protein (p.Arg158Gln). This variant is present in population databases (rs146078741, gnomAD 0.01%). This variant has not been reported in the literature in individuals affected with POLR1A-related conditions. Invitae Evidence Modeling of protein sequence and biophysical properties (such as structural, functional, and spatial information, amino acid conservation, physicochemical variation, residue mobility, and thermodynamic stability) indicates that this missense variant is not expected to disrupt POLR1A protein function with a negative predictive value of 80%. In summary, the available evidence is currently insufficient to determine the role of this variant in disease. Therefore, it has been classified as a Variant of Uncertain Significance.